The following is an entry in ClinVar:

NM_006267.5(RANBP2):c.3492TGA[5] (p.Asp1168_Gly1169insAsp)

Gene: RANBP2 (RAN binding protein 2; plus strand). Cytogenetic location: 2q13.
Variant type: Microsatellite.
Coding change: c.3492TGA[5] on transcript NM_006267.5 (MANE Select); five copies in a row of the 3-base unit TGA starting at c.3492; the reference has four copies in a row; one copy, 3 bases duplicated; also written c.3501_3503dup.
Protein change: p.Asp1168_Gly1169insAsp.
Molecular consequence: inframe insertion.
Genome position (GRCh38, 1-based): chr2:108,764,040-108,764,042, TGA duplicated; duplicating any 3 consecutive bases within chr2:108,764,029-108,764,042 gives the same sequence; the position shown is the placement nearest the transcript's 3' end. VCF-style (leftmost placement, unchanged base first): chr2-108764028-G-GGAT. GRCh37 (hg19) VCF-style: chr2-109380484-G-GGAT.
Other names: c.3492TGA[5], p.Asp1168_Gly1169insAsp (NM_001415871.1, NM_001415873.1); c.3489TGA[5], p.Asp1167_Gly1168insAsp (NM_001415872.1); c.3501_3503dup (NM_006267.5).
Identifiers: ClinVar variation 4884020 (VCV004884020.2).

ClinVar aggregate classification (germline): Uncertain significance (1 of 4 stars; one submission).

Conditions:
Familial acute necrotizing encephalopathy (IIAE3). Also called: ENCEPHALOPATHY, ACUTE, INFECTION-INDUCED, SUSCEPTIBILITY TO, 3; Susceptibility to Acute Necrotizing Encephalopathy 1. Identifiers: Orphanet 88619, MedGen C2675556, MONDO:0011953, OMIM 608033.

Submission:

Dasa
Classification: Uncertain significance for Familial acute necrotizing encephalopathy. Last evaluated: 2026-01-16. Review status: criteria provided, single submitter. Criteria: DASA Assertion Criteria. Collection method: clinical testing. Allele origin: germline.
Comment: NM_006267.5(RANBP2):c.3501_3503dup (p.Asp1168dup) is an in-frame duplication predicted to duplicate aspartic acid at protein position 1168 without shifting the reading frame. This variant is rare in population databases. The currently available literature and clinical evidence are not sufficient to establish a definitive association between this variant and the reported condition. Therefore, this variant is classified as a variant of uncertain significance.